The following is an entry in ClinVar:

NM_001394062.1(MACF1):c.14449_14451dup (p.Ala4817_Lys4818insAla)

Gene: MACF1 (microtubule actin crosslinking factor 1; plus strand). Cytogenetic location: 1p34.3.
Variant type: Duplication.
Coding change: c.14449_14451dup on transcript NM_001394062.1 (MANE Select); coding-DNA positions 14449 to 14451, 3 bases duplicated (GCA; older notation c.14449_14451dupGCA).
Protein change: p.Ala4817_Lys4818insAla.
Genome position (GRCh38, 1-based): chr1:39,387,291-39,387,293, GCA duplicated; duplicating any 3 consecutive bases within chr1:39,387,290-39,387,293 gives the same sequence; the c. name uses the placement nearest the transcript's 3' end. VCF-style (leftmost placement, unchanged base first): chr1-39387289-A-AAGC. GRCh37 (hg19) VCF-style: chr1-39852961-A-AAGC.
Other names: c.8263_8265dup, p.Ala2755_Lys2756insAla (NM_012090.5); c.8263_8265dupGCA (NM_012090.5).
Identifiers: ClinVar variation 3042422 (VCV003042422.4), dbSNP rs529950852, ClinGen allele CA782250.

ClinVar aggregate classification (germline): Benign/Likely benign. Review status: criteria provided, multiple submitters, no conflicts (2 of 4 stars). 3 submissions from 3 submitters: Benign (1); Likely benign (1). 1 of the submissions does not count toward it. Last evaluated 2025-10-09.

Conditions:
MACF1-related disorder. Also called: MACF1-related condition.

Submissions (3):

Labcorp Genetics (formerly Invitae), Labcorp
Classification: Benign. Last evaluated: 2025-10-09. Review status: criteria provided, single submitter. Criteria: Invitae Variant Classification Sherloc (09022015). Collection method: clinical testing. Allele origin: germline.

Blueprint Genetics
Classification: Likely benign. Last evaluated: 2024-11-18. Review status: criteria provided, single submitter. Criteria: ACMG Guidelines, 2015. Collection method: clinical testing. Allele origin: germline.

PreventionGenetics, part of Exact Sciences
Classification: Benign for MACF1-related condition. Last evaluated: 2021-09-13. Review status: no assertion criteria provided. Collection method: clinical testing. Allele origin: germline. Not counted in ClinVar's aggregate classification.
Comment: This variant is classified as benign based on ACMG/AMP sequence variant interpretation guidelines (Richards et al. 2015 PMID: 25741868, with internal and published modifications).